The following is an entry in ClinVar:

ClinVar aggregate classification (germline): Pathogenic (1 of 4 stars; one submission).

Conditions:
Peroxisome biogenesis disorder, complementation group 7 (CG7). Also called: Peroxisome biogenesis disorder, complementation group B. Identifiers: MedGen C1864399.

Submission:

Labcorp Genetics (formerly Invitae), Labcorp
Classification: Pathogenic for Peroxisome biogenesis disorder, complementation group 7. Last evaluated: 2019-11-25. Review status: criteria provided, single submitter. Criteria: Invitae Variant Classification Sherloc (09022015). Collection method: clinical testing. Allele origin: germline.
Comment: A gross deletion of the genomic region encompassing the full coding sequence of the PEX10 gene has been identified. The boundaries of this event are unknown as the deletion extends beyond the assayed region for this gene and therefore may encompass additional genes. This variant has not been reported in the literature in individuals with PEX10-related conditions. Loss-of-function variants in PEX10 are known to be pathogenic (PMID: 9683594, 10862081, 21031596). For these reasons, this variant has been classified as Pathogenic.

NC_000001.11:g.(?_2405746)_(2412522_?)del

Gene: PEX10 (peroxisomal biogenesis factor 10; minus strand). Cytogenetic location: 1p36.32.
Variant type: Deletion.
Identifiers: ClinVar variation 832324 (VCV000832324.1).